The following is an entry in ClinVar:

ClinVar aggregate classification (germline): Likely benign. Review status: criteria provided, multiple submitters, no conflicts (2 of 4 stars). 5 submissions from 5 submitters: Likely benign (4). 1 of the submissions does not count toward it. Last evaluated 2026-06-01.

Conditions:
Nephronophthisis. Also called: Juvenile Nephronophthisis. Identifiers: Orphanet 655, MedGen C0687120, MONDO:0019005, HP:0000090.
Nephronophthisis 1 (NPHP1). Also called: Nephronophthisis familial juvenile. Identifiers: Orphanet 655, Orphanet 93592, MedGen C1855681, MONDO:0009728, OMIM 256100.
Joubert syndrome with renal defect. Also called: JOUBERT SYNDROME 4. Identifiers: Orphanet 220497, MedGen C1846790, MONDO:0012308, OMIM 609583.
Senior-Loken syndrome 1 (SLSN1). Also called: JUVENILE NEPHRONOPHTHISIS WITH LEBER AMAUROSIS. Identifiers: Orphanet 3156, MedGen C4551559, MONDO:0009962, OMIM 266900.
NPHP1-related disorder. Also called: NPHP1-related disorders; NPHP1-related condition.

Allele frequency attached by ClinVar (database versions not stated): gnomAD exomes 0.00002 and 0.00013; ExAC 0.00004; gnomAD 0.00005; TOPMed 0.00005; ESP Exome Variant Server 0.00008.
gnomAD v4.1: 198 of 1,613,176 alleles (0.012%); highest among the groups gnomAD compares: Non-Finnish European, 0.016%; no homozygotes.

Submissions (5):

CeGaT Center for Human Genetics Tuebingen
Classification: Likely benign. Last evaluated: 2026-06-01. Review status: criteria provided, single submitter. Criteria: CeGaT Center For Human Genetics Tuebingen Variant Classification Criteria Version 2. Collection method: clinical testing. Allele origin: germline. Affected: yes. Observed: 3 variant alleles.
Comment: NPHP1: BP4, BP7

Labcorp Genetics (formerly Invitae), Labcorp
Classification: Likely benign for Nephronophthisis. Last evaluated: 2024-11-02. Review status: criteria provided, single submitter. Criteria: Invitae Variant Classification Sherloc (09022015). Collection method: clinical testing. Allele origin: germline.

Blueprint Genetics
Classification: Likely benign. Last evaluated: 2024-08-07. Review status: criteria provided, single submitter. Criteria: ACMG Guidelines, 2015. Collection method: clinical testing. Allele origin: germline.

Fulgent Genetics
Classification: Likely benign for Nephronophthisis 1; Senior-Loken syndrome 1; Joubert syndrome with renal defect. Last evaluated: 2021-07-09. Review status: criteria provided, single submitter. Criteria: ACMG Guidelines, 2015. Collection method: clinical testing. Allele origin: unknown.

PreventionGenetics, part of Exact Sciences
Classification: Likely benign for NPHP1-related condition. Last evaluated: 2024-07-15. Review status: no assertion criteria provided. Collection method: clinical testing. Allele origin: germline. Not counted in ClinVar's aggregate classification.
Comment: This variant is classified as likely benign based on ACMG/AMP sequence variant interpretation guidelines (Richards et al. 2015 PMID: 25741868, with internal and published modifications).

NM_001128178.3(NPHP1):c.558T>G (p.Pro186=)

Gene: NPHP1 (nephrocystin 1; minus strand). Cytogenetic location: 2q13.
Variant type: single nucleotide variant.
Coding change: c.558T>G on transcript NM_001128178.3 (MANE Select); coding-DNA position 558, T replaced by G.
Protein change: p.Pro186=; no amino-acid change (proline 186 retained).
Molecular consequence: synonymous variant.
Genome position (GRCh38, 1-based): chr2:110,168,518, A>C on the plus strand (T>G on the coding strand, the complement: NPHP1 is on the minus strand). VCF-style: chr2-110168518-A-C. GRCh37 (hg19) VCF-style: chr2-110926095-A-C.
Other names: c.558T>G, p.Pro186= (NM_000272.5, NM_001374256.1, NM_001374257.1 and 1 more transcripts); c.372T>G, p.Pro124= (NM_001128179.3); c.558T>G (NM_000272.3).
Identifiers: ClinVar variation 1136933 (VCV001136933.33), dbSNP rs372637635, ClinGen allele CA1827355.